The following is an entry in ClinVar:

NM_138413.4(HOGA1):c.533_535delinsCGA (p.Leu178_Pro179delinsProThr)

Gene: HOGA1 (4-hydroxy-2-oxoglutarate aldolase 1; plus strand). Cytogenetic location: 10q24.2.
Variant type: Indel.
Coding change: c.533_535delinsCGA on transcript NM_138413.4 (MANE Select); coding-DNA positions 533 to 535, TGC replaced by CGA.
Protein change: p.Leu178_Pro179delinsProThr.
Molecular consequence: missense variant. On other transcripts: intron variant (1).
Genome position (GRCh38, 1-based): chr10:97,599,744-97,599,746, TGC replaced by CGA. VCF-style: chr10-97599744-TGC-CGA. GRCh37 (hg19) VCF-style: chr10-99359501-TGC-CGA.
Other names: c.212-2113_212-2111delinsCGA (NM_001134670.2).
Identifiers: ClinVar variation 2664093 (VCV002664093.1), dbSNP rs2540075778, ClinGen allele CA2695201015.
Genomic context (GRCh38, chr10:97,599,744, plus strand): 5'-CTGATCTCTCTCCAATCCCTGTGGTGCTGTACAGTGTCCCAGCCAACACAGGGCTGGACC[TGC>CGA]CTGTGGATGCAGTGGTCACGCTTTCCCAGCACCCGAATATTGTGGGCATGAAGGACAGCG-3'

ClinVar aggregate classification (germline): Likely pathogenic (1 of 4 stars; one submission).

Conditions:
Primary hyperoxaluria type 3. Also called: PH III. Identifiers: Orphanet 416, Orphanet 93600, MedGen C3150878, MONDO:0013327, OMIM 613616. Disease mechanism: loss of function.

Submission:

Rare Kidney Stone Consortium and the Mayo Clinic Hyperoxaluria Center, Mayo Clinic
Classification: Likely pathogenic for Primary hyperoxaluria type 3. Last evaluated: 2023-10-27. Review status: criteria provided, single submitter. Criteria: ACMG Guidelines, 2015. Collection method: clinical testing. Allele origin: germline. Affected: yes.
Comment: ACMG:PM2 PM3 PP3 PP4

Literature cited by the submitters: PubMed 25644115; PubMed 34805638.